The following is an entry in ClinVar:

NM_005186.4(CAPN1):c.381C>T (p.Asn127=)

Gene: CAPN1 (calpain 1; plus strand). Cytogenetic location: 11q13.1.
Variant type: single nucleotide variant.
Coding change: c.381C>T on transcript NM_005186.4 (MANE Select); coding-DNA position 381, C replaced by T.
Protein change: p.Asn127=; no amino-acid change (asparagine 127 retained).
Molecular consequence: synonymous variant. On other transcripts: non-coding transcript variant (1).
Genome position (GRCh38, 1-based): chr11:65,183,517, C>T. VCF-style: chr11-65183517-C-T. GRCh37 (hg19) VCF-style: chr11-64950988-C-T.
Other names: c.381C>T, p.Asn127= (NM_001198868.2, NM_001198869.2); c.219C>T, p.Asn73= (NM_001198870.1).
Identifiers: ClinVar variation 1694639 (VCV001694639.37), dbSNP rs374553729, ClinGen allele CA6093067.

ClinVar aggregate classification (germline): Likely benign. Review status: criteria provided, multiple submitters, no conflicts (2 of 4 stars). 3 submissions from 3 submitters: Likely benign (3). Last evaluated 2025-12-14.

Allele frequency attached by ClinVar (database versions not stated): gnomAD 0.00005; TOPMed 0.00006; ESP Exome Variant Server 0.00008; ExAC 0.00009.
gnomAD v4.1: 92 of 1,613,772 alleles (0.0057%); highest among the groups gnomAD compares: Non-Finnish European, 0.0071%; no homozygotes.

Submissions (3):

Labcorp Genetics (formerly Invitae), Labcorp
Classification: Likely benign. Last evaluated: 2025-12-14. Review status: criteria provided, single submitter. Criteria: Invitae Variant Classification Sherloc (09022015). Collection method: clinical testing. Allele origin: germline.

Blueprint Genetics
Classification: Likely benign. Last evaluated: 2024-11-25. Review status: criteria provided, single submitter. Criteria: ACMG Guidelines, 2015. Collection method: clinical testing. Allele origin: germline.

CeGaT Center for Human Genetics Tuebingen
Classification: Likely benign. Last evaluated: 2022-06-01. Review status: criteria provided, single submitter. Criteria: CeGaT Center For Human Genetics Tuebingen Variant Classification Criteria Version 2. Collection method: clinical testing. Allele origin: germline. Affected: yes. Observed: 1 variant allele.
Comment: CAPN1: BP4, BP7